The following is an entry in ClinVar:

ClinVar aggregate classification (germline): Uncertain significance (1 of 4 stars; one submission).

Conditions:
SCAPER-related disorder. Also called: SCAPER-related condition.

Submission:

PreventionGenetics, part of Exact Sciences
Classification: Uncertain significance for SCAPER-related condition. Last evaluated: 2026-04-08. Review status: criteria provided, single submitter. Criteria: ACMG Guidelines, 2015. Collection method: clinical testing. Allele origin: germline.
Comment: The SCAPER c.4038C>G variant is predicted to result in the amino acid substitution p.Ser1346Arg. To our knowledge, this variant has not been reported in the literature or in a large population database (gnomAD), indicating this variant is rare. At this time, the clinical significance of this variant is uncertain due to the absence of conclusive functional and genetic evidence.

NM_020843.4(SCAPER):c.4020C>G (p.Ser1340Arg)

Gene: SCAPER (S-phase cyclin A associated protein in the ER; minus strand). Cytogenetic location: 15q24.3.
Variant type: single nucleotide variant.
Coding change: c.4020C>G on transcript NM_020843.4 (MANE Select); coding-DNA position 4020, C replaced by G.
Protein change: p.Ser1340Arg; replaces serine 1340 with arginine.
Molecular consequence: missense variant. On other transcripts: non-coding transcript variant (1).
Genome position (GRCh38, 1-based): chr15:76,353,976, G>C on the plus strand (C>G on the coding strand, the complement: SCAPER is on the minus strand). VCF-style: chr15-76353976-G-C. GRCh37 (hg19) VCF-style: chr15-76646317-G-C.
Other names: c.3282C>G, p.Ser1094Arg (NM_001145923.2); c.4038C>G, p.Ser1346Arg (NM_001353009.2); c.3618C>G, p.Ser1206Arg (NM_001353010.2, NM_001353012.2); c.3636C>G, p.Ser1212Arg (NM_001353011.2); short protein forms S1094R, S1206R, S1346R, S1212R, S1340R.
Identifiers: ClinVar variation 4994619 (VCV004994619.1).